The following is an entry in ClinVar:

NM_004608.4(TBX6):c.400G>A (p.Glu134Lys)

Gene: TBX6 (T-box transcription factor 6; minus strand). Cytogenetic location: 16p11.2.
Variant type: single nucleotide variant.
Coding change: c.400G>A on transcript NM_004608.4 (MANE Select); coding-DNA position 400, G replaced by A.
Protein change: p.Glu134Lys; replaces glutamic acid 134 with lysine.
Molecular consequence: missense variant.
Genome position (GRCh38, 1-based): chr16:30,089,164, C>T on the plus strand (G>A on the coding strand, the complement: TBX6 is on the minus strand). VCF-style: chr16-30089164-C-T. GRCh37 (hg19) VCF-style: chr16-30100485-C-T.
Other names: short protein forms E134K.
Identifiers: ClinVar variation 1465611 (VCV001465611.8), dbSNP rs201241148, ClinGen allele CA8001929.
Genomic context (GRCh38, chr16:30,089,164, plus strand): 5'-GCCAGCGGTAGCGAGCCCCATCCACCGGAATCACATCCAGAAGAAACAAGTAGCGGGCCT[C>T]GGGGTCCAGGCCAGTGACTGACACTCGGCAGGCAGGGAACATGCGCCTGTGCAAGGGAGG-3'
Protein context (NP_004599.2, residues 124-144): CRVSVTGLDP[Glu134Lys]ARYLFLLDVI

ClinVar aggregate classification (germline): Uncertain significance (1 of 4 stars; one submission).

Allele frequency attached by ClinVar (database versions not stated): gnomAD exomes 0.00004 and 0.00010; ExAC 0.00015; gnomAD 0.00021 and 0.00022; ESP Exome Variant Server 0.00023; TOPMed 0.00027; 1000 Genomes Project 30x 0.00031; 1000 Genomes Project 0.00040.

Submission:

Labcorp Genetics (formerly Invitae), Labcorp
Classification: Uncertain significance. Last evaluated: 2025-05-23. Review status: criteria provided, single submitter. Criteria: Invitae Variant Classification Sherloc (09022015). Collection method: clinical testing. Allele origin: germline.
Comment: This sequence change replaces glutamic acid, which is acidic and polar, with lysine, which is basic and polar, at codon 134 of the TBX6 protein (p.Glu134Lys). This variant is present in population databases (rs201241148, gnomAD 0.08%), and has an allele count higher than expected for a pathogenic variant. This missense change has been observed in individual(s) with clinical features of TBX6-related conditions (PMID: 31015262, 31471994, 36112137). ClinVar contains an entry for this variant (Variation ID: 1465611). Invitae Evidence Modeling of protein sequence and biophysical properties (such as structural, functional, and spatial information, amino acid conservation, physicochemical variation, residue mobility, and thermodynamic stability) indicates that this missense variant is not expected to disrupt TBX6 protein function with a negative predictive value of 80%. Experimental studies have shown that this missense change affects TBX6 function (PMID: 31015262, 36112137). In summary, the available evidence is currently insufficient to determine the role of this variant in disease. Therefore, it has been classified as a Variant of Uncertain Significance.

Literature cited by the submitters: PubMed 31015262; PubMed 31471994; PubMed 36112137.